The following is an entry in ClinVar:

NM_005560.6(LAMA5):c.4405T>G (p.Ser1469Ala)

Gene: LAMA5 (laminin subunit alpha 5; minus strand). Cytogenetic location: 20q13.33.
Variant type: single nucleotide variant.
Coding change: c.4405T>G on transcript NM_005560.6 (MANE Select); coding-DNA position 4405, T replaced by G.
Protein change: p.Ser1469Ala; replaces serine 1469 with alanine.
Molecular consequence: missense variant.
Genome position (GRCh38, 1-based): chr20:62,328,886, A>C on the plus strand (T>G on the coding strand, the complement: LAMA5 is on the minus strand). VCF-style: chr20-62328886-A-C. GRCh37 (hg19) VCF-style: chr20-60903942-A-C.
Other names: p.Ser1469Ala; c.4405T>G (NM_005560.4); short protein forms S1469A.
Identifiers: ClinVar variation 1599651 (VCV001599651.12), dbSNP rs144009130, ClinGen allele CA9942623.
Genomic context (GRCh38, chr20:62,328,886, plus strand): 5'-AAGGACTGGGGTACTCACGCCTGCAGTTGGGGAAGCCCCAGTATCCGGTGGCACAGCGGG[A>C]GCAGTCACGGCCAATGACATGGGCATGGCAGGGACACTGGCCCCCGAAGGGCTCACACGT-3'
Protein context (NP_005551.3, residues 1459-1479): CHAHVIGRDC[Ser1469Ala]RCATGYWGFP

ClinVar aggregate classification (germline): Conflicting classifications of pathogenicity. Review status: criteria provided, conflicting classifications (1 of 4 stars). 4 submissions from 4 submitters: Uncertain significance (1); Benign (1); Likely benign (1). 1 of the submissions does not count toward it. Last evaluated 2025-12-02.

Conditions:
LAMA5-related disorder. Also called: LAMA5-Related Disorders; LAMA5-related condition.

Allele frequency attached by ClinVar (database versions not stated): gnomAD exomes 0.00030 and 0.00088; ExAC 0.00088; 1000 Genomes Project 0.00180; 1000 Genomes Project 30x 0.00187; gnomAD 0.00293 and 0.00316; ESP Exome Variant Server 0.00346; TOPMed 0.00346.
gnomAD v4.1: 909 of 1,611,894 alleles (0.056%); highest among the groups gnomAD compares: African/African-American, 0.88%; 3 homozygotes.

Submissions (4):

Labcorp Genetics (formerly Invitae), Labcorp
Classification: Benign. Last evaluated: 2025-12-02. Review status: criteria provided, single submitter. Criteria: Invitae Variant Classification Sherloc (09022015). Collection method: clinical testing. Allele origin: germline.

Mayo Clinic Laboratories, Mayo Clinic
Classification: Likely benign. Last evaluated: 2025-03-06. Review status: criteria provided, single submitter. Criteria: ACMG Guidelines, 2015. Collection method: clinical testing. Allele origin: germline. Observed: 1 variant allele.
Comment: BS1

Mendelics
Classification: Uncertain significance. Last evaluated: 2022-05-04. Review status: criteria provided, single submitter. Criteria: Mendelics Assertion Criteria 2019. Collection method: clinical testing. Allele origin: germline.

PreventionGenetics, part of Exact Sciences
Classification: Benign for LAMA5-related condition. Last evaluated: 2020-12-16. Review status: no assertion criteria provided. Collection method: clinical testing. Allele origin: germline. Not counted in ClinVar's aggregate classification.
Comment: This variant is classified as benign based on ACMG/AMP sequence variant interpretation guidelines (Richards et al. 2015 PMID: 25741868, with internal and published modifications).

Literature cited by the submitters: PubMed 24130771 (cited by Mayo Clinic Laboratories, Mayo Clinic).